The following is an entry in ClinVar:

NM_003120.3(SPI1):c.788C>A (p.Ala263Asp)

Gene: SPI1 (Spi-1 proto-oncogene; minus strand). Cytogenetic location: 11p11.2.
Variant type: single nucleotide variant.
Coding change: c.788C>A on transcript NM_003120.3 (MANE Select); coding-DNA position 788, C replaced by A.
Protein change: p.Ala263Asp; replaces alanine 263 with aspartic acid.
Molecular consequence: missense variant.
Genome position (GRCh38, 1-based): chr11:47,355,252, G>T on the plus strand (C>A on the coding strand, the complement: SPI1 is on the minus strand). VCF-style: chr11-47355252-G-T. GRCh37 (hg19) VCF-style: chr11-47376803-G-T.
Other names: c.791C>A, p.Ala264Asp (NM_001080547.2); short protein forms A263D, A264D.
Identifiers: ClinVar variation 4071902 (VCV004071902.1).

ClinVar aggregate classification (germline): Uncertain significance (1 of 4 stars; one submission).

Submission:

GeneDx
Classification: Uncertain significance. Last evaluated: 2025-01-27. Review status: criteria provided, single submitter. Criteria: GeneDx Variant Classification Process June 2021. Collection method: clinical testing. Allele origin: germline. Affected: yes.
Comment: Not observed at significant frequency in large population cohorts (gnomAD); In silico analysis indicates that this missense variant does not alter protein structure/function; Has not been previously published as pathogenic or benign to our knowledge